The following is an entry in ClinVar:

ClinVar aggregate classification (germline): Uncertain significance (1 of 4 stars; one submission).

Conditions:
Hereditary cancer-predisposing syndrome. Also called: Neoplastic Syndromes, Hereditary; Tumor predisposition; Hereditary neoplastic syndrome; Hereditary Cancer Syndrome. Identifiers: Orphanet 140162, MedGen C0027672, MeSH D009386, MONDO:0015356.

gnomAD v4.1: 1 of 1,355,860 alleles (0.000074%); highest among the groups gnomAD compares: Non-Finnish European, 0.000094%; no homozygotes.

Submission:

Ambry Genetics
Classification: Uncertain significance for Hereditary cancer-predisposing syndrome. Last evaluated: 2026-07-07. Review status: criteria provided, single submitter. Criteria: Ambry Variant Classification Scheme 2023. Collection method: clinical testing. Allele origin: germline.
Comment: The p.G231V variant (also known as c.692G>T), located in coding exon 3 of the PHOX2B gene, results from a G to T substitution at nucleotide position 692. The glycine at codon 231 is replaced by valine, an amino acid with dissimilar properties. This amino acid position is conserved. In addition, the in silico prediction for this alteration is inconclusive. Based on the available evidence, the clinical significance of this variant remains unclear.

NM_003924.4(PHOX2B):c.692G>T (p.Gly231Val)

Gene: PHOX2B (paired like homeobox 2B; minus strand). Cytogenetic location: 4p13.
Variant type: single nucleotide variant.
Coding change: c.692G>T on transcript NM_003924.4 (MANE Select); coding-DNA position 692, G replaced by T.
Protein change: p.Gly231Val; replaces glycine 231 with valine.
Molecular consequence: missense variant.
Genome position (GRCh38, 1-based): chr4:41,746,060, C>A on the plus strand (G>T on the coding strand, the complement: PHOX2B is on the minus strand). VCF-style: chr4-41746060-C-A. GRCh37 (hg19) VCF-style: chr4-41748077-C-A.
Other names: short protein forms G231V.
Identifiers: ClinVar variation 5026518 (VCV005026518.1).